The following is an entry in ClinVar:

ClinVar aggregate classification (germline): Uncertain significance (1 of 4 stars; one submission).

Conditions:
Primary ciliary dyskinesia. Also called: Ciliary dyskinesia. Identifiers: Orphanet 244, MedGen C0008780, MONDO:0016575, HP:0012265.

Allele frequency attached by ClinVar (database versions not stated): gnomAD exomes below 0.00001.
gnomAD v4.1: 2 of 1,614,196 alleles (0.00012%); highest among the groups gnomAD compares: Non-Finnish European, 0.00017%; no homozygotes.

Submission:

Labcorp Genetics (formerly Invitae), Labcorp
Classification: Uncertain significance for Primary ciliary dyskinesia. Last evaluated: 2022-06-28. Review status: criteria provided, single submitter. Criteria: Invitae Variant Classification Sherloc (09022015). Collection method: clinical testing. Allele origin: germline.
Comment: In summary, the available evidence is currently insufficient to determine the role of this variant in disease. Therefore, it has been classified as a Variant of Uncertain Significance. Algorithms developed to predict the effect of missense changes on protein structure and function output the following: SIFT: "Tolerated"; PolyPhen-2: "Benign"; Align-GVGD: "Class C0". The serine amino acid residue is found in multiple mammalian species, which suggests that this missense change does not adversely affect protein function. This variant has not been reported in the literature in individuals affected with CCDC114-related conditions. This variant is not present in population databases (gnomAD no frequency). This sequence change replaces asparagine, which is neutral and polar, with serine, which is neutral and polar, at codon 232 of the CCDC114 protein (p.Asn232Ser).

NM_001364171.2(ODAD1):c.806A>G (p.Asn269Ser)

Gene: ODAD1 (outer dynein arm docking complex subunit 1; minus strand). Cytogenetic location: 19q13.33.
Variant type: single nucleotide variant.
Coding change: c.806A>G on transcript NM_001364171.2 (MANE Select); coding-DNA position 806, A replaced by G.
Protein change: p.Asn269Ser; replaces asparagine 269 with serine.
Molecular consequence: missense variant.
Genome position (GRCh38, 1-based): chr19:48,304,000, T>C on the plus strand (A>G on the coding strand, the complement: ODAD1 is on the minus strand). VCF-style: chr19-48304000-T-C. GRCh37 (hg19) VCF-style: chr19-48807257-T-C.
Other names: c.695A>G, p.Asn232Ser (NM_144577.4); short protein forms N232S, N269S.
Identifiers: ClinVar variation 1682880 (VCV001682880.6), dbSNP rs2147317437, ClinGen allele CA406661806.